The following is an entry in ClinVar:

ClinVar aggregate classification (germline): Uncertain significance. Review status: criteria provided, multiple submitters, no conflicts (2 of 4 stars). 3 submissions from 3 submitters: Uncertain significance (3). Last evaluated 2026-04-16.

Conditions:
Roberts-SC phocomelia syndrome (RBS). Also called: ESCO2 Spectrum Disorder; LONG BONE DEFICIENCIES ASSOCIATED WITH CLEFT LIP-PALATE; Pseudothalidomide syndrome; Appelt-Gerken-Lenz syndrome; Hypomelia hypotrichosis facial hemangioma syndrome. Identifiers: Orphanet 3103, MedGen C0392475, MONDO:0100253, OMIM 268300.
Juberg-Hayward syndrome (JHS). Also called: Cleft lip/palate with abnormal thumbs and microcephaly; OROCRANIODIGITAL SYNDROME. Identifiers: Orphanet 2319, MedGen C0796099, MONDO:0008992, OMIM 216100.
Inborn genetic diseases. Identifiers: MedGen C0950123, MeSH D030342.

Allele frequency attached by ClinVar (database versions not stated): ESP Exome Variant Server 0.00015.
gnomAD v4.1: 261 of 1,604,288 alleles (0.016%); highest among the groups gnomAD compares: South Asian, 0.098%; no homozygotes.

Submissions (3):

Ambry Genetics
Classification: Uncertain significance for Inborn genetic diseases. Last evaluated: 2026-04-16. Review status: criteria provided, single submitter. Criteria: Ambry Variant Classification Scheme 2023. Collection method: clinical testing. Allele origin: germline.
Comment: The c.1128C>G (p.I376M) alteration is located in exon 6 (coding exon 5) of the ESCO2 gene. This alteration results from a C to G substitution at nucleotide position 1128, causing the isoleucine (I) at amino acid position 376 to be replaced by a methionine (M). Based on data from gnomAD, the G allele has an overall frequency of 0.016% (46/282312) total alleles studied. The highest observed frequency was 0.088% (27/30600) of South Asian alleles. Based on insufficient or conflicting evidence, the clinical significance of this alteration remains unclear.

Fulgent Genetics
Classification: Uncertain significance for Juberg-Hayward syndrome; Roberts-SC phocomelia syndrome. Last evaluated: 2024-05-24. Review status: criteria provided, single submitter. Criteria: ACMG Guidelines, 2015. Collection method: clinical testing. Allele origin: germline.

Labcorp Genetics (formerly Invitae), Labcorp
Classification: Uncertain significance. Last evaluated: 2022-07-12. Review status: criteria provided, single submitter. Criteria: Invitae Variant Classification Sherloc (09022015). Collection method: clinical testing. Allele origin: germline.
Comment: This sequence change replaces isoleucine, which is neutral and non-polar, with methionine, which is neutral and non-polar, at codon 376 of the ESCO2 protein (p.Ile376Met). This variant is present in population databases (rs140062105, gnomAD 0.09%). This variant has not been reported in the literature in individuals affected with ESCO2-related conditions. Algorithms developed to predict the effect of missense changes on protein structure and function are either unavailable or do not agree on the potential impact of this missense change (SIFT: "Tolerated"; PolyPhen-2: "Possibly Damaging"; Align-GVGD: "Class C0"). In summary, the available evidence is currently insufficient to determine the role of this variant in disease. Therefore, it has been classified as a Variant of Uncertain Significance.

NM_001017420.3(ESCO2):c.1128C>G (p.Ile376Met)

Gene: ESCO2 (establishment of sister chromatid cohesion N-acetyltransferase 2; plus strand). Cytogenetic location: 8p21.1.
Variant type: single nucleotide variant.
Coding change: c.1128C>G on transcript NM_001017420.3 (MANE Select); coding-DNA position 1128, C replaced by G.
Protein change: p.Ile376Met; replaces isoleucine 376 with methionine.
Molecular consequence: missense variant.
Genome position (GRCh38, 1-based): chr8:27,787,999, C>G. VCF-style: chr8-27787999-C-G. GRCh37 (hg19) VCF-style: chr8-27645516-C-G.
Other names: c.1128C>G (NM_001017420.2); short protein forms I376M.
Identifiers: ClinVar variation 2198442 (VCV002198442.4), dbSNP rs140062105, ClinGen allele CA4692217.